The following is an entry in ClinVar:

ClinVar aggregate classification (germline): Likely benign. Review status: criteria provided, single submitter (1 of 4 stars). 2 submissions from 2 submitters: Likely benign (1). 1 of the submissions does not count toward it. Last evaluated 2023-11-09.

Conditions:
DNMT3A-related disorder. Also called: DNMT3A-related condition; DNMT3A-related disorders.

Allele frequency attached by ClinVar (database versions not stated): ExAC 0.00003.
gnomAD v4.1: 4 of 1,589,898 alleles (0.00025%); highest among the groups gnomAD compares: African/African-American, 0.0054%; no homozygotes.

Submissions (2):

Women's Health and Genetics/Laboratory Corporation of America, LabCorp
Classification: Likely benign. Last evaluated: 2023-11-09. Review status: criteria provided, single submitter. Criteria: LabCorp Variant Classification Summary - May 2015. Collection method: clinical testing. Allele origin: germline.
Comment: Variant summary: DNMT3A c.448+48C>A is located at a position not widely known to affect splicing. One of two in-silico tools predict a benign effect of the variant on protein function. Consensus agreement among computation tools predict no significant impact on normal splicing. However, these predictions have yet to be confirmed by functional studies. The variant allele was found at a frequency of 4.8e-06 in 207422 control chromosomes. The available data on variant occurrences in the general population are insufficient to allow any conclusion about variant significance. To our knowledge, no occurrence of c.448+48C>A in individuals affected with Tatton-Brown Overgrowth Syndrome and no experimental evidence demonstrating its impact on protein function have been reported. No submitters have cited clinical-significance assessments for this variant to ClinVar after 2014. Based on the evidence outlined above, the variant was classified as likely benign.

PreventionGenetics, part of Exact Sciences
Classification: Uncertain significance for DNMT3A-related condition. Last evaluated: 2024-08-29. Review status: no assertion criteria provided. Collection method: clinical testing. Allele origin: germline. Not counted in ClinVar's aggregate classification.
Comment: The DNMT3A c.496C>A variant is predicted to result in the amino acid substitution p.Pro166Thr. To our knowledge, this variant has not been reported in the literature. This variant is reported in 0.0096% of alleles in individuals of African descent in gnomAD. In the canonical transcript, this variant is intronic (c.448+48C>A; NM_175629). At this time, the clinical significance of this variant is uncertain due to the absence of conclusive functional and genetic evidence.

NM_022552.5(DNMT3A):c.448+48C>A

Gene: DNMT3A (DNA methyltransferase 3 alpha; minus strand). Cytogenetic location: 2p23.3.
Variant type: single nucleotide variant.
Coding change: c.448+48C>A on transcript NM_022552.5 (MANE Select); 48 bases into the intron after coding-DNA position 448, C replaced by A.
Molecular consequence: intron variant. On other transcripts: missense variant (2).
Genome position (GRCh38, 1-based): chr2:25,282,393, G>T on the plus strand (C>A on the coding strand, the complement: DNMT3A is on the minus strand). VCF-style: chr2-25282393-G-T. GRCh37 (hg19) VCF-style: chr2-25505262-G-T.
Other names: c.496C>A, p.Pro166Thr (NM_001320892.2, NM_175630.1); c.448+48C>A (NM_175629.2); c.496C>A (NM_001320892.1); short protein forms P166T.
Identifiers: ClinVar variation 2682435 (VCV002682435.2), dbSNP rs778675092, ClinGen allele CA1556471.